The following is an entry in ClinVar:

NM_199420.4(POLQ):c.4277A>G (p.Asn1426Ser)

Gene: POLQ (DNA polymerase theta; minus strand). Cytogenetic location: 3q13.33.
Variant type: single nucleotide variant.
Coding change: c.4277A>G on transcript NM_199420.4 (MANE Select); coding-DNA position 4277, A replaced by G.
Protein change: p.Asn1426Ser; replaces asparagine 1426 with serine.
Molecular consequence: missense variant.
Genome position (GRCh38, 1-based): chr3:121,488,654, T>C on the plus strand (A>G on the coding strand, the complement: POLQ is on the minus strand). VCF-style: chr3-121488654-T-C. GRCh37 (hg19) VCF-style: chr3-121207501-T-C.
Other names: short protein forms N1426S.
Identifiers: ClinVar variation 3229989 (VCV003229989.1), dbSNP rs1438942080, ClinGen allele CA354095515.

ClinVar aggregate classification (germline): Uncertain significance (1 of 4 stars; one submission).

Allele frequency attached by ClinVar (database versions not stated): TOPMed below 0.00001.
gnomAD v4.1: 2 of 1,603,594 alleles (0.00012%); highest among the groups gnomAD compares: Non-Finnish European, 0.00017%; no homozygotes.

Submission:

Ambry Genetics
Classification: Uncertain significance. Last evaluated: 2023-11-04. Review status: criteria provided, single submitter. Criteria: Ambry Variant Classification Scheme 2023. Collection method: clinical testing. Allele origin: germline.
Comment: The p.N1426S variant (also known as c.4277A>G), located in coding exon 16 of the POLQ gene, results from an A to G substitution at nucleotide position 4277. The asparagine at codon 1426 is replaced by serine, an amino acid with highly similar properties. This amino acid position is conserved. In addition, this alteration is predicted to be tolerated by in silico analysis. Since supporting evidence is limited at this time, the clinical significance of this alteration remains unclear.